The following is an entry in ClinVar:

NM_001029.5(RPS26):c.-35G>A

Gene: RPS26 (ribosomal protein S26; plus strand). Cytogenetic location: 12q13.2.
Variant type: single nucleotide variant.
Coding change: c.-35G>A on transcript NM_001029.5 (MANE Select); 35 bases upstream of the start codon, G replaced by A.
Molecular consequence: 5 prime UTR variant.
Genome position (GRCh38, 1-based): chr12:56,042,132, G>A. VCF-style: chr12-56042132-G-A. GRCh37 (hg19) VCF-style: chr12-56435916-G-A.
Other names: c.-35G>A (LRG_1146t1).
Identifiers: ClinVar variation 309853 (VCV000309853.5), dbSNP rs188808121, ClinGen allele CA6621618.

ClinVar aggregate classification (germline): Benign/Likely benign. Review status: criteria provided, multiple submitters, no conflicts (2 of 4 stars). 2 submissions from 2 submitters: Benign (1); Likely benign (1). Last evaluated 2018-01-13.

Conditions:
Diamond-Blackfan anemia 10 (DBA10). Also called: RPS26-Related Diamond-Blackfan Anemia. Identifiers: Orphanet 124, MedGen C2750080, MONDO:0013217, OMIM 613309.

Allele frequency attached by ClinVar (database versions not stated): ExAC 0.00040; ESP Exome Variant Server 0.00092; gnomAD 0.00131 and 0.00139; TOPMed 0.00132; 1000 Genomes Project 30x 0.00203; 1000 Genomes Project 0.00240.

Submissions (2):

Illumina Laboratory Services, Illumina
Classification: Benign for Diamond-Blackfan anemia 10. Last evaluated: 2018-01-13. Review status: criteria provided, single submitter. Criteria: ICSL Variant Classification Criteria 13 December 2019. Collection method: clinical testing. Allele origin: germline.
Comment: This variant was observed in the ICSL laboratory as part of a predisposition screen in an ostensibly healthy population. It had not been previously curated by ICSL or reported in the Human Gene Mutation Database (HGMD: prior to June 1st, 2018), and was therefore a candidate for classification through an automated scoring system. Utilizing variant allele frequency, disease prevalence and penetrance estimates, and inheritance mode, an automated score was calculated to assess if this variant is too frequent to cause the disease. Based on the score and internal cut-off values, a variant classified as benign is not then subjected to further curation. The score for this variant resulted in a classification of benign for this disease.

GeneDx
Classification: Likely benign. Last evaluated: 2017-03-22. Review status: criteria provided, single submitter. Criteria: GeneDx Variant Classification (06012015). Collection method: clinical testing. Allele origin: germline. Affected: yes.
Comment: This variant is considered likely benign or benign based on one or more of the following criteria: it is a conservative change, it occurs at a poorly conserved position in the protein, it is predicted to be benign by multiple in silico algorithms, and/or has population frequency not consistent with disease.